The following is an entry in ClinVar:

NM_001267550.2(TTN):c.66492del (p.Val22165fs)

Genes: TTN-AS1 (TTN antisense RNA 1; plus strand), TTN (titin; minus strand). Cytogenetic location: 2q31.2.
Variant type: Deletion.
Coding change: c.66492del on transcript NM_001267550.2 (MANE Select); coding-DNA position 66492, one base deleted (A; older notation c.66492delA).
Protein change: p.Val22165fs; shifts the reading frame from valine 22165.
Molecular consequence: frameshift variant.
Genome position (GRCh38, 1-based): chr2:178,581,776, T deleted on the plus strand (A on the coding strand, the reverse complement: TTN is on the minus strand); the first of 3 consecutive T bases (chr2:178,581,776-178,581,778); deleting any one gives the same sequence. VCF-style (leftmost placement, unchanged base first): chr2-178581775-CT-C. GRCh37 (hg19) VCF-style: chr2-179446502-CT-C.
Other names: c.61569del, p.Val20524fs (NM_001256850.1); c.39297del, p.Val13100fs (NM_003319.4); c.58788del, p.Val19597fs (NM_133378.4); c.39672del, p.Val13225fs (NM_133432.3); c.39873del, p.Val13292fs (NM_133437.4); short protein forms V20524fs, V13100fs, V13292fs, V19597fs, V13225fs, V22165fs.
Identifiers: ClinVar variation 2109950 (VCV002109950.4), dbSNP rs2468997672, ClinGen allele CA2580064716.

ClinVar aggregate classification (germline): Likely pathogenic (1 of 4 stars; one submission).

Conditions:
Dilated cardiomyopathy 1G (CMD1G). Identifiers: Orphanet 154, MedGen C1858763, MONDO:0011400, OMIM 604145.
Autosomal recessive limb-girdle muscular dystrophy type 2J (LGMDR10). Also called: Limb-girdle muscular dystrophy, type 2J; MUSCULAR DYSTROPHY, LIMB-GIRDLE, AUTOSOMAL RECESSIVE 10. Identifiers: Orphanet 140922, MedGen C1837342, MONDO:0012127, OMIM 608807.

Submission:

Labcorp Genetics (formerly Invitae), Labcorp
Classification: Likely pathogenic for Dilated cardiomyopathy 1G; Autosomal recessive limb-girdle muscular dystrophy type 2J. Last evaluated: 2025-09-22. Review status: criteria provided, single submitter. Criteria: Invitae Variant Classification Sherloc (09022015). Collection method: clinical testing. Allele origin: germline.
Comment: This sequence change creates a premature translational stop signal (p.Val22165Tyrfs*9) in the TTN gene. While this is not anticipated to result in nonsense mediated decay, it is expected to disrupt the last 13827 amino acid(s) of the TTN protein. This variant is not present in population databases (gnomAD no frequency). This variant has not been reported in the literature in individuals affected with TTN-related conditions. ClinVar contains an entry for this variant (Variation ID: 2109950). This variant is located in the A band of TTN (PMID: 25589632). Truncating variants in this region are significantly overrepresented in patients affected with dilated cardiomyopathy (PMID: 25589632). Truncating variants in this region have also been reported in individuals affected with autosomal recessive centronuclear myopathy (PMID: 23975875). In summary, the currently available evidence indicates that the variant is pathogenic, but additional data are needed to prove that conclusively. Therefore, this variant has been classified as Likely Pathogenic.

Literature cited by the submitters: PubMed 25589632; PubMed 23975875.